The following is an entry in ClinVar:

ClinVar aggregate classification (germline): Uncertain significance (1 of 4 stars; one submission).

Submission:

Ambry Genetics
Classification: Uncertain significance. Last evaluated: 2021-09-05. Review status: criteria provided, single submitter. Criteria: Ambry Variant Classification Scheme 2023. Collection method: clinical testing. Allele origin: germline.
Comment: The p.F3323L variant (also known as c.9969C>A), located in coding exon 71 of the PRKDC gene, results from a C to A substitution at nucleotide position 9969. The phenylalanine at codon 3323 is replaced by leucine, an amino acid with highly similar properties. This amino acid position is conserved. In addition, this alteration is predicted to be tolerated by in silico analysis. Since supporting evidence is limited at this time, the clinical significance of this alteration remains unclear.

NM_006904.7(PRKDC):c.9969C>A (p.Phe3323Leu)

Gene: PRKDC (protein kinase, DNA-activated, catalytic subunit; minus strand). Cytogenetic location: 8q11.21.
Variant type: single nucleotide variant.
Coding change: c.9969C>A on transcript NM_006904.7 (MANE Select); coding-DNA position 9969, C replaced by A.
Protein change: p.Phe3323Leu; replaces phenylalanine 3323 with leucine.
Molecular consequence: missense variant.
Genome position (GRCh38, 1-based): chr8:47,800,940, G>T on the plus strand (C>A on the coding strand, the complement: PRKDC is on the minus strand). VCF-style: chr8-47800940-G-T. GRCh37 (hg19) VCF-style: chr8-48713501-G-T.
Other names: c.9969C>A, p.Phe3323Leu (NM_001081640.2); short protein forms F3323L.
Identifiers: ClinVar variation 1768748 (VCV001768748.2), dbSNP rs1563741461, ClinGen allele CA371135864.